The following is an entry in ClinVar:

NM_001042492.3(NF1):c.6783T>G (p.His2261Gln)

Gene: NF1 (neurofibromin 1; plus strand). Cytogenetic location: 17q11.2.
Variant type: single nucleotide variant.
Coding change: c.6783T>G on transcript NM_001042492.3 (MANE Select); coding-DNA position 6783, T replaced by G.
Protein change: p.His2261Gln; replaces histidine 2261 with glutamine.
Molecular consequence: missense variant.
Genome position (GRCh38, 1-based): chr17:31,338,103, T>G. VCF-style: chr17-31338103-T-G. GRCh37 (hg19) VCF-style: chr17-29665121-T-G.
Other names: c.6720T>G, p.His2240Gln (NM_000267.4); short protein forms H2240Q, H2261Q.
Identifiers: ClinVar variation 3634591 (VCV003634591.2).

ClinVar aggregate classification (germline): Uncertain significance (1 of 4 stars; one submission).

Conditions:
Neurofibromatosis, type 1 (NF1). Also called: VON RECKLINGHAUSEN DISEASE; Peripheral type neurofibromatosis; NEUROFIBROMATOSIS, TYPE I, SOMATIC; Neurofibromatosis, type I. Identifiers: Orphanet 636, MedGen C0027831, MONDO:0018975, OMIM 162200. Disease mechanism: loss of function.

Submission:

Labcorp Genetics (formerly Invitae), Labcorp
Classification: Uncertain significance for Neurofibromatosis, type 1. Last evaluated: 2024-07-11. Review status: criteria provided, single submitter. Criteria: Invitae Variant Classification Sherloc (09022015). Collection method: clinical testing. Allele origin: germline.
Comment: This sequence change replaces histidine, which is basic and polar, with glutamine, which is neutral and polar, at codon 2240 of the NF1 protein (p.His2240Gln). This variant is not present in population databases (gnomAD no frequency). This variant has not been reported in the literature in individuals affected with NF1-related conditions. Advanced modeling of protein sequence and biophysical properties (such as structural, functional, and spatial information, amino acid conservation, physicochemical variation, residue mobility, and thermodynamic stability) performed at Invitae indicates that this missense variant is not expected to disrupt NF1 protein function with a negative predictive value of 95%. In summary, the available evidence is currently insufficient to determine the role of this variant in disease. Therefore, it has been classified as a Variant of Uncertain Significance.